The following is an entry in ClinVar:

ClinVar aggregate classification (germline): Uncertain significance (1 of 4 stars; one submission).

Conditions:
Naxos disease (NXD). Also called: KERATOSIS PALMOPLANTARIS WITH ARRHYTHMOGENIC CARDIOMYOPATHY; MAL DE NAXOS; PALMOPLANTAR KERATODERMA WITH ARRHYTHMOGENIC RIGHT VENTRICULAR CARDIOMYOPATHY AND WOOLLY HAIR; WOOLLY HAIR, PALMOPLANTAR KERATODERMA, AND CARDIAC ABNORMALITIES; CARDIOMYOPATHY, ARRHYTHMOGENIC RIGHT VENTRICULAR, WITH SKIN, HAIR, AND NAIL ABNORMALITIES. Identifiers: Orphanet 34217, MedGen C1832600, MONDO:0011017, OMIM 601214.
Arrhythmogenic right ventricular dysplasia 12. Also called: ARRHYTHMOGENIC RIGHT VENTRICULAR DYSPLASIA, FAMILIAL, 12. Identifiers: MedGen C1969081, MONDO:0012684, OMIM 611528.

Allele frequency attached by ClinVar (database versions not stated): gnomAD exomes below 0.00001.
gnomAD v4.1: 2 of 1,613,706 alleles (0.00012%); highest among the groups gnomAD compares: East Asian, 0.0022%; no homozygotes.

Submission:

Labcorp Genetics (formerly Invitae), Labcorp
Classification: Uncertain significance for Arrhythmogenic right ventricular dysplasia 12; Naxos disease. Last evaluated: 2024-01-26. Review status: criteria provided, single submitter. Criteria: Invitae Variant Classification Sherloc (09022015). Collection method: clinical testing. Allele origin: germline.
Comment: This sequence change replaces glycine, which is neutral and non-polar, with arginine, which is basic and polar, at codon 353 of the JUP protein (p.Gly353Arg). This variant is present in population databases (no rsID available, gnomAD 0.006%). This variant has not been reported in the literature in individuals affected with JUP-related conditions. An algorithm developed to predict the effect of missense changes on protein structure and function (PolyPhen-2) suggests that this variant is likely to be disruptive. Algorithms developed to predict the effect of sequence changes on RNA splicing suggest that this variant may create or strengthen a splice site. In summary, the available evidence is currently insufficient to determine the role of this variant in disease. Therefore, it has been classified as a Variant of Uncertain Significance.

NM_002230.4(JUP):c.1057G>A (p.Gly353Arg)

Gene: JUP (junction plakoglobin; minus strand). Cytogenetic location: 17q21.2.
Variant type: single nucleotide variant.
Coding change: c.1057G>A on transcript NM_002230.4 (MANE Select); coding-DNA position 1057, G replaced by A.
Protein change: p.Gly353Arg; replaces glycine 353 with arginine.
Molecular consequence: missense variant.
Genome position (GRCh38, 1-based): chr17:41,764,814, C>T on the plus strand (G>A on the coding strand, the complement: JUP is on the minus strand). VCF-style: chr17-41764814-C-T. GRCh37 (hg19) VCF-style: chr17-39921066-C-T.
Other names: c.1057G>A, p.Gly353Arg (NM_001352773.2, NM_001352774.2, NM_001352775.2 and 3 more transcripts); short protein forms G353R.
Identifiers: ClinVar variation 2937330 (VCV002937330.3), dbSNP rs1555603248, ClinGen allele CA399499120.